The following is an entry in ClinVar:

ClinVar aggregate classification (germline): Pathogenic/Likely pathogenic. Review status: criteria provided, multiple submitters, no conflicts (2 of 4 stars). 2 submissions from 2 submitters: Pathogenic (1); Likely pathogenic (1). Last evaluated 2025-02-02.

Conditions:
Corticosterone methyl oxidase type II deficiency.

Allele frequency attached by ClinVar (database versions not stated): gnomAD exomes below 0.00001; gnomAD 0.00001.
gnomAD v4.1: 8 of 1,613,706 alleles (0.0005%); no homozygotes.

Submissions (2):

Natera, Inc.
Classification: Likely pathogenic for Corticosterone methyl oxidase type II deficiency. Last evaluated: 2025-02-02. Review status: criteria provided, single submitter. Criteria: Natera Variant Classification Schema (03/2026). Collection method: clinical testing. Allele origin: germline.
Comment: The c.532C>T variant in CYP11B2 is a nonsense variant predicted to introduce a stop codon at amino acid 178. This variant is expected to result in nonsense mediated decay, truncation, or a dysfunctional protein product. This variant is rare in the general population with a frequency below the threshold expected for the associated phenotype(s). Given the available evidence, this variant is classified as Likely Pathogenic.

Labcorp Genetics (formerly Invitae), Labcorp
Classification: Pathogenic. Last evaluated: 2021-05-08. Review status: criteria provided, single submitter. Criteria: Invitae Variant Classification Sherloc (09022015). Collection method: clinical testing. Allele origin: germline.
Comment: This sequence change creates a premature translational stop signal (p.Gln178*) in the CYP11B2 gene. It is expected to result in an absent or disrupted protein product. Loss-of-function variants in CYP11B2 are known to be pathogenic (PMID: 20494601, 22801770, 26936515). This variant is not present in population databases (ExAC no frequency). This variant has not been reported in the literature in individuals with CYP11B2-related conditions. For these reasons, this variant has been classified as Pathogenic.

Literature cited by the submitters: PubMed 20494601 (cited by Labcorp Genetics (formerly Invitae), Labcorp); PubMed 22801770 (cited by Labcorp Genetics (formerly Invitae), Labcorp); PubMed 26936515 (cited by Labcorp Genetics (formerly Invitae), Labcorp).

NM_000498.3(CYP11B2):c.532C>T (p.Gln178Ter)

Genes: CYP11B2 (cytochrome P450 family 11 subfamily B member 2; minus strand), LOC106799834 (CYP11B2 recombination region; plus strand). Cytogenetic location: 8q24.3.
Variant type: single nucleotide variant.
Coding change: c.532C>T on transcript NM_000498.3 (MANE Select); coding-DNA position 532, C replaced by T.
Protein change: p.Gln178Ter; replaces glutamine 178 with a stop codon.
Molecular consequence: nonsense.
Genome position (GRCh38, 1-based): chr8:142,915,109, G>A on the plus strand (C>T on the coding strand, the complement: CYP11B2 is on the minus strand). VCF-style: chr8-142915109-G-A. GRCh37 (hg19) VCF-style: chr8-143996525-G-A.
Other names: short protein forms Q178*.
Identifiers: ClinVar variation 1445986 (VCV001445986.8), dbSNP rs1205192306, ClinGen allele CA372390548.
Genomic context (GRCh38, chr8:142,915,109, plus strand): 5'-CTATGGTGTAGTGGAAGATGCTGGGCTGGACGTCCAGGGTCAGGCTCCCCCGGGCGTTCT[G>A]CAGCACCTTCTTCTTCAGGGCCTGGGAGAAGTCCCTGGCCACTGCATCCACCATCGGGAG-3'